The following is an entry in ClinVar:

NM_000548.5(TSC2):c.2556del (p.Arg852fs)

Gene: TSC2 (TSC complex subunit 2; plus strand). Cytogenetic location: 16p13.3.
Variant type: Deletion.
Coding change: c.2556del on transcript NM_000548.5 (MANE Select); coding-DNA position 2556, one base deleted (G; older notation c.2556delG).
Protein change: p.Arg852fs; shifts the reading frame from arginine 852.
Molecular consequence: frameshift variant. On other transcripts: non-coding transcript variant (5).
Genome position (GRCh38, 1-based): chr16:2,075,809, G deleted; the last of 2 consecutive G bases (chr16:2,075,808-2,075,809); deleting either gives the same sequence. VCF-style (leftmost placement, unchanged base first): chr16-2075807-AG-A. GRCh37 (hg19) VCF-style: chr16-2125808-AG-A.
Other names: c.2556del, p.Arg852fs (NM_001077183.3, NM_001114382.3, NM_001363528.2 and 6 more transcripts); c.2445del, p.Arg815fs (NM_001318827.2, NM_001406670.1, NM_001406678.1); c.2409del, p.Arg803fs (NM_001318829.2, NM_001406675.1, NM_001406676.1 and 1 more transcripts); c.1956del, p.Arg652fs (NM_001318831.2, NM_001406680.1, NM_001406682.1 and 6 more transcripts); c.2589del, p.Arg863fs (NM_001318832.2); c.2646del, p.Arg882fs (NM_001406667.1, NM_001406668.1); c.2544del, p.Arg848fs (NM_001406671.1, NM_001406673.1); c.2499del, p.Arg833fs (NM_001406677.1); and 3 more; short protein forms R318fs, R404fs, R652fs, R698fs, R803fs, R815fs, R833fs, R848fs.
Identifiers: ClinVar variation 3348568 (VCV003348568.1).

ClinVar aggregate classification (germline): Likely pathogenic (0 of 4 stars; one submission).

Conditions:
TSC2-related disorder. Also called: TSC2-related condition; TSC2-Related Disorders.

Submission:

PreventionGenetics, part of Exact Sciences
Classification: Likely pathogenic for TSC2-related condition. Last evaluated: 2024-03-12. Review status: no assertion criteria provided. Collection method: clinical testing. Allele origin: germline.
Comment: The TSC2 c.2556delG variant is predicted to result in a frameshift and premature protein termination (p.Arg852Serfs*42). To our knowledge, this variant has not been reported in the literature or in a large population database, indicating this variant is rare. Frameshift variants in TSC2 are expected to be pathogenic. This variant is interpreted as likely pathogenic.